The following is an entry in ClinVar:

NM_002439.5(MSH3):c.3359A>G (p.Gln1120Arg)

Gene: MSH3 (mutS homolog 3; plus strand). Cytogenetic location: 5q14.1.
Variant type: single nucleotide variant.
Coding change: c.3359A>G on transcript NM_002439.5 (MANE Select); coding-DNA position 3359, A replaced by G.
Protein change: p.Gln1120Arg; replaces glutamine 1120 with arginine.
Molecular consequence: missense variant.
Genome position (GRCh38, 1-based): chr5:80,875,807, A>G. VCF-style: chr5-80875807-A-G. GRCh37 (hg19) VCF-style: chr5-80171626-A-G.
Other names: short protein forms Q1120R.
Identifiers: ClinVar variation 645188 (VCV000645188.10), dbSNP rs1580106219, ClinGen allele CA360347391.
Genomic context (GRCh38, chr5:80,875,807, plus strand): 5'-CCAGAAAGAGACTCAAGTATTTTGCAAAGTTATGGACGATGCATAATGCACAAGACCTGC[A>G]GAAGTGGACAGAGGAGTTCAACATGGAAGAAACACAGACTTCTCTTCTTCATTAAAATGA-3'
Protein context (NP_002430.3, residues 1110-1130): LWTMHNAQDL[Gln1120Arg]KWTEEFNMEE

ClinVar aggregate classification (germline): Uncertain significance. Review status: criteria provided, multiple submitters, no conflicts (2 of 4 stars). 2 submissions from 2 submitters: Uncertain significance (2). Last evaluated 2026-01-05.

Conditions:
Hereditary cancer-predisposing syndrome. Also called: Hereditary Cancer Syndrome; Tumor predisposition; Hereditary neoplastic syndrome; Neoplastic Syndromes, Hereditary. Identifiers: Orphanet 140162, MedGen C0027672, MeSH D009386, MONDO:0015356.

Allele frequency attached by ClinVar (database versions not stated): gnomAD exomes 0.00001.
gnomAD v4.1: 12 of 1,614,044 alleles (0.00074%); highest among the groups gnomAD compares: Middle Eastern, 0.016%; no homozygotes.

Submissions (2):

Labcorp Genetics (formerly Invitae), Labcorp
Classification: Uncertain significance. Last evaluated: 2026-01-05. Review status: criteria provided, single submitter. Criteria: Invitae Variant Classification Sherloc (09022015). Collection method: clinical testing. Allele origin: germline.
Comment: This sequence change replaces glutamine, which is neutral and polar, with arginine, which is basic and polar, at codon 1120 of the MSH3 protein (p.Gln1120Arg). This variant is not present in population databases (gnomAD no frequency). This variant has not been reported in the literature in individuals affected with MSH3-related conditions. ClinVar contains an entry for this variant (Variation ID: 645188). An algorithm developed to predict the effect of missense changes on protein structure and function outputs the following: PolyPhen-2: "Benign". The arginine amino acid residue is found in multiple mammalian species, which suggests that this missense change does not adversely affect protein function. In summary, the available evidence is currently insufficient to determine the role of this variant in disease. Therefore, it has been classified as a Variant of Uncertain Significance.

Ambry Genetics
Classification: Uncertain significance for Hereditary cancer-predisposing syndrome. Last evaluated: 2025-04-04. Review status: criteria provided, single submitter. Criteria: Ambry Variant Classification Scheme 2023. Collection method: clinical testing. Allele origin: germline.
Comment: The p.Q1120R variant (also known as c.3359A>G), located in coding exon 24 of the MSH3 gene, results from an A to G substitution at nucleotide position 3359. The glutamine at codon 1120 is replaced by arginine, an amino acid with highly similar properties. This amino acid position is conserved. In addition, this alteration is predicted to be tolerated by in silico analysis. Since supporting evidence is limited at this time, the clinical significance of this alteration remains unclear.